The following is an entry in ClinVar:

NM_003283.6(TNNT1):c.644C>T (p.Pro215Leu)

Gene: TNNT1 (troponin T1, slow skeletal type; minus strand). Cytogenetic location: 19q13.42.
Variant type: single nucleotide variant.
Coding change: c.644C>T on transcript NM_003283.6 (MANE Select); coding-DNA position 644, C replaced by T.
Protein change: p.Pro215Leu; replaces proline 215 with leucine.
Molecular consequence: missense variant. On other transcripts: intron variant (3).
Genome position (GRCh38, 1-based): chr19:55,134,172, G>A on the plus strand (C>T on the coding strand, the complement: TNNT1 is on the minus strand). VCF-style: chr19-55134172-G-A. GRCh37 (hg19) VCF-style: chr19-55645540-G-A.
Other names: c.579-16C>T (NM_001126133.3, NM_001291774.2); c.612-16C>T (NM_001126132.3); c.644C>T (NM_003283.4); short protein forms P215L.
Identifiers: ClinVar variation 1502055 (VCV001502055.6), dbSNP rs1243419099, ClinGen allele CA407432033.

ClinVar aggregate classification (germline): Uncertain significance. Review status: criteria provided, multiple submitters, no conflicts (2 of 4 stars). 2 submissions from 2 submitters: Uncertain significance (2). Last evaluated 2024-06-11.

Conditions:
Nemaline myopathy 5 (NEM5A). Also called: NEMALINE MYOPATHY 5A, AUTOSOMAL RECESSIVE, SEVERE INFANTILE; Nemaline myopathy 5, Amish type; NEMALINE MYOPATHY, AMISH TYPE. Identifiers: Orphanet 98902, MedGen C1854380, MONDO:0011539, OMIM 605355.
Inborn genetic diseases. Identifiers: MedGen C0950123, MeSH D030342.

Allele frequency attached by ClinVar (database versions not stated): gnomAD exomes below 0.00001; TOPMed below 0.00001; gnomAD 0.00001.

Submissions (2):

Ambry Genetics
Classification: Uncertain significance for Inborn genetic diseases. Last evaluated: 2024-06-11. Review status: criteria provided, single submitter. Criteria: Ambry Variant Classification Scheme 2023. Collection method: clinical testing. Allele origin: germline.

Labcorp Genetics (formerly Invitae), Labcorp
Classification: Uncertain significance for Nemaline myopathy 5. Last evaluated: 2022-01-11. Review status: criteria provided, single submitter. Criteria: Invitae Variant Classification Sherloc (09022015). Collection method: clinical testing. Allele origin: germline.
Comment: This variant has not been reported in the literature in individuals affected with TNNT1-related conditions. Algorithms developed to predict the effect of missense changes on protein structure and function are either unavailable or do not agree on the potential impact of this missense change (SIFT: "Deleterious"; PolyPhen-2: "Benign"; Align-GVGD: "Class C0"). In summary, the available evidence is currently insufficient to determine the role of this variant in disease. Therefore, it has been classified as a Variant of Uncertain Significance. This variant is not present in population databases (gnomAD no frequency). This sequence change replaces proline, which is neutral and non-polar, with leucine, which is neutral and non-polar, at codon 215 of the TNNT1 protein (p.Pro215Leu).